The following is an entry in ClinVar:

NM_001378418.1(TCF20):c.4294A>T (p.Arg1432Trp)

Gene: TCF20 (transcription factor 20; minus strand). Cytogenetic location: 22q13.2.
Variant type: single nucleotide variant.
Coding change: c.4294A>T on transcript NM_001378418.1 (MANE Select); coding-DNA position 4294, A replaced by T.
Protein change: p.Arg1432Trp; replaces arginine 1432 with tryptophan.
Molecular consequence: missense variant.
Genome position (GRCh38, 1-based): chr22:42,211,012, T>A on the plus strand (A>T on the coding strand, the complement: TCF20 is on the minus strand). VCF-style: chr22-42211012-T-A. GRCh37 (hg19) VCF-style: chr22-42607018-T-A.
Other names: c.4294A>T, p.Arg1432Trp (NM_005650.4, NM_181492.3); short protein forms R1432W.
Identifiers: ClinVar variation 4751360 (VCV004751360.1).

ClinVar aggregate classification (germline): Uncertain significance (1 of 4 stars; one submission).

gnomAD v4.1: 5 of 1,614,026 alleles (0.00031%); highest among the groups gnomAD compares: Non-Finnish European, 0.00042%; no homozygotes.

Submission:

Labcorp Genetics (formerly Invitae), Labcorp
Classification: Uncertain significance. Last evaluated: 2025-02-27. Review status: criteria provided, single submitter. Criteria: Invitae Variant Classification Sherloc (09022015). Collection method: clinical testing. Allele origin: germline.
Comment: This sequence change replaces arginine, which is basic and polar, with tryptophan, which is neutral and slightly polar, at codon 1432 of the TCF20 protein (p.Arg1432Trp). This variant is present in population databases (rs779029341, gnomAD 0.003%). This variant has not been reported in the literature in individuals affected with TCF20-related conditions. An algorithm developed to predict the effect of missense changes on protein structure and function (PolyPhen-2) suggests that this variant is likely to be tolerated. In summary, the available evidence is currently insufficient to determine the role of this variant in disease. Therefore, it has been classified as a Variant of Uncertain Significance.